The following is an entry in ClinVar:

NM_177986.5(DSG4):c.2138-48C>T

Genes: DSG1-AS1 (DSG1 antisense RNA 1; minus strand), DSG4 (desmoglein 4; plus strand). Cytogenetic location: 18q12.1.
Variant type: single nucleotide variant.
Coding change: c.2138-48C>T on transcript NM_177986.5 (MANE Select); 48 bases into the intron before coding-DNA position 2138, C replaced by T.
Molecular consequence: intron variant. On other transcripts: missense variant (1).
Genome position (GRCh38, 1-based): chr18:31,411,183, C>T. VCF-style: chr18-31411183-C-T. GRCh37 (hg19) VCF-style: chr18-28991146-C-T.
Other names: c.2147C>T, p.Ala716Val (NM_001134453.3); short protein forms A716V.
Identifiers: ClinVar variation 3044897 (VCV003044897.2), dbSNP rs188617814, ClinGen allele CA8927236.

ClinVar aggregate classification (germline): Likely benign (0 of 4 stars; one submission).

Conditions:
DSG4-related disorder. Also called: DSG4-related condition.

Allele frequency attached by ClinVar (database versions not stated): gnomAD 0.00218; 1000 Genomes Project 30x 0.00234; 1000 Genomes Project 0.00240; ESP Exome Variant Server 0.00154.
gnomAD v4.1: 666 of 1,614,240 alleles (0.041%); highest among the groups gnomAD compares: African/African-American, 0.75%; 1 homozygote.

Submission:

PreventionGenetics, part of Exact Sciences
Classification: Likely benign for DSG4-related condition. Last evaluated: 2020-07-27. Review status: no assertion criteria provided. Collection method: clinical testing. Allele origin: germline.
Comment: This variant is classified as likely benign based on ACMG/AMP sequence variant interpretation guidelines (Richards et al. 2015 PMID: 25741868, with internal and published modifications).